The following is an entry in ClinVar:

ClinVar aggregate classification (germline): Uncertain significance (1 of 4 stars; one submission).

Conditions:
Familial cold autoinflammatory syndrome 2 (FCAS2). Identifiers: Orphanet 247868, MedGen C2673198, MONDO:0012724, OMIM 611762.

gnomAD v4.1: 22 of 1,614,100 alleles (0.0014%); highest among the groups gnomAD compares: Non-Finnish European, 0.0016%; no homozygotes.

Submission:

Labcorp Genetics (formerly Invitae), Labcorp
Classification: Uncertain significance for Familial cold autoinflammatory syndrome 2. Last evaluated: 2022-01-27. Review status: criteria provided, single submitter. Criteria: Invitae Variant Classification Sherloc (09022015). Collection method: clinical testing. Allele origin: germline.
Comment: In summary, the available evidence is currently insufficient to determine the role of this variant in disease. Therefore, it has been classified as a Variant of Uncertain Significance. Algorithms developed to predict the effect of missense changes on protein structure and function output the following: SIFT: "Tolerated"; PolyPhen-2: "Benign"; Align-GVGD: "Class C0". The lysine amino acid residue is found in multiple mammalian species, which suggests that this missense change does not adversely affect protein function. This variant has not been reported in the literature in individuals affected with NLRP12-related conditions. This variant is present in population databases (no rsID available, gnomAD 0.0009%). This sequence change replaces glutamic acid, which is acidic and polar, with lysine, which is basic and polar, at codon 931 of the NLRP12 protein (p.Glu931Lys).

NM_144687.4(NLRP12):c.2791G>A (p.Glu931Lys)

Gene: NLRP12 (NLR family pyrin domain containing 12; minus strand). Cytogenetic location: 19q13.42.
Variant type: single nucleotide variant.
Coding change: c.2791G>A on transcript NM_144687.4 (MANE Select); coding-DNA position 2791, G replaced by A.
Protein change: p.Glu931Lys; replaces glutamic acid 931 with lysine.
Molecular consequence: missense variant. On other transcripts: intron variant (1).
Genome position (GRCh38, 1-based): chr19:53,798,379, C>T on the plus strand (G>A on the coding strand, the complement: NLRP12 is on the minus strand). VCF-style: chr19-53798379-C-T. GRCh37 (hg19) VCF-style: chr19-54301633-C-T.
Other names: c.2794G>A, p.Glu932Lys (NM_001277126.2); c.2757-2350G>A (NM_001277129.1); short protein forms E932K, E931K.
Identifiers: ClinVar variation 1943562 (VCV001943562.5), dbSNP rs1404302953, ClinGen allele CA407407992.